The following is an entry in ClinVar:

ClinVar aggregate classification (germline): Likely benign (1 of 4 stars; one submission).

Submission:

Center for Pediatric Genomic Medicine, Children's Mercy Hospital and Clinics
Classification: Likely benign. Last evaluated: 2015-09-29. Review status: criteria provided, single submitter. Criteria: ACMG Guidelines, 2015. Collection method: clinical testing. Allele origin: germline.
ClinVar note: Converted during submission from Likely Benign to Likely benign.

NC_012920.1(MT-CO2):m.7867C>T

Gene: MT-CO2 (mitochondrially encoded cytochrome c oxidase II; plus strand).
Variant type: single nucleotide variant.
Genome position: chrM-7867-C-T.
Identifiers: ClinVar variation 235282 (VCV000235282.3), dbSNP rs9783079, ClinGen allele CA10581264.